The following is an entry in ClinVar:

NM_032776.3(JMJD1C):c.678+4A>G

Gene: JMJD1C (jumonji domain containing 1C; minus strand). Cytogenetic location: 10q21.3.
Variant type: single nucleotide variant.
Coding change: c.678+4A>G on transcript NM_032776.3 (MANE Select); 4 bases into the intron after coding-DNA position 678, A replaced by G.
Molecular consequence: intron variant.
Genome position (GRCh38, 1-based): chr10:63,217,203, T>C on the plus strand (A>G on the coding strand, the complement: JMJD1C is on the minus strand). VCF-style: chr10-63217203-T-C. GRCh37 (hg19) VCF-style: chr10-64976963-T-C.
Other names: c.21+4A>G (NM_001322258.2, NM_001322254.2); c.132+4A>G (NM_001318154.2, NM_001282948.2); c.564+4A>G (NM_001322252.2); c.-191+4A>G (NM_001318153.2).
Identifiers: ClinVar variation 840358 (VCV000840358.8), dbSNP rs1848101561, ClinGen allele CA916083133.

ClinVar aggregate classification (germline): Uncertain significance (1 of 4 stars; one submission).

Conditions:
Early Myoclonic Encephalopathy. Identifiers: MedGen C0270855.

Submission:

Labcorp Genetics (formerly Invitae), Labcorp
Classification: Uncertain significance for Early Myoclonic Encephalopathy. Last evaluated: 2024-11-05. Review status: criteria provided, single submitter. Criteria: Invitae Variant Classification Sherloc (09022015). Collection method: clinical testing. Allele origin: germline.
Comment: This sequence change falls in intron 5 of the JMJD1C gene. It does not directly change the encoded amino acid sequence of the JMJD1C protein. It affects a nucleotide within the consensus splice site. This variant is not present in population databases (gnomAD no frequency). This variant has not been reported in the literature in individuals affected with JMJD1C-related conditions. ClinVar contains an entry for this variant (Variation ID: 840358). Variants that disrupt the consensus splice site are a relatively common cause of aberrant splicing (PMID: 17576681, 9536098). Algorithms developed to predict the effect of sequence changes on RNA splicing suggest that this variant is not likely to affect RNA splicing. In summary, the available evidence is currently insufficient to determine the role of this variant in disease. Therefore, it has been classified as a Variant of Uncertain Significance.

Literature cited by the submitters: PubMed 17576681; PubMed 9536098.